The following is an entry in ClinVar:

NM_001134407.3(GRIN2A):c.1777+1G>T

Gene: GRIN2A (glutamate ionotropic receptor NMDA type subunit 2A; minus strand). Cytogenetic location: 16p13.2.
Variant type: single nucleotide variant.
Coding change: c.1777+1G>T on transcript NM_001134407.3 (MANE Select); the canonical splice donor site of the intron after coding-DNA position 1777, G replaced by T.
Molecular consequence: splice donor variant.
Genome position (GRCh38, 1-based): chr16:9,834,104, C>A on the plus strand (G>T on the coding strand, the complement: GRIN2A is on the minus strand). VCF-style: chr16-9834104-C-A. GRCh37 (hg19) VCF-style: chr16-9927961-C-A.
Other names: c.1777+1G>T (NM_001134408.2, NM_000833.5).
Identifiers: ClinVar variation 4293747 (VCV004293747.1).

ClinVar aggregate classification (germline): Likely pathogenic (1 of 4 stars; one submission).

Conditions:
Landau-Kleffner syndrome (FESD). Also called: EPILEPSY, FOCAL, WITH SPEECH DISORDER AND WITH OR WITHOUT MENTAL RETARDATION; APHASIA, ACQUIRED, WITH EPILEPSY. Identifiers: Orphanet 1945, Orphanet 725, Orphanet 98818, MedGen C0282512, MONDO:0009509, OMIM 245570.

Submission:

3billion
Classification: Likely pathogenic for Landau-Kleffner syndrome. Last evaluated: 2024-09-03. Review status: criteria provided, single submitter. Criteria: ACMG Guidelines, 2015. Collection method: clinical testing. Allele origin: germline. Affected: yes.
Comment: The variant is not observed in the gnomAD v4.0.0 dataset. Predicted Consequence/Location: Canonical splice site: predicted to alter splicing and result in a loss or disruption of normal protein function. Multiple pathogenic loss-of-function variants are reported downstream of the variant. In silico tools predict the variant to alter splicing and produce an abnormal transcript [SpliceAI: 1.00 (spliceogenicity >=0.2, non-spliceogenicity <0.1)]. Therefore, this variant is classified as Likely pathogenic according to the recommendation of ACMG/AMP guideline.